The following is an entry in ClinVar:

ClinVar aggregate classification (germline): Pathogenic (1 of 4 stars; one submission).

Conditions:
WARS2-related disorder. Also called: WARS2 related condition; WARS2-related disorders.

gnomAD v4.1: 1 of 1,613,964 alleles (0.000062%); no homozygotes.

Submission:

Rady Children's Institute for Genomic Medicine, Rady Children's Hospital San Diego
Classification: Pathogenic for WARS2-related disorders. Last evaluated: 2024-04-01. Review status: criteria provided, single submitter. Criteria: ACMG Guidelines, 2015. Collection method: clinical testing. Allele origin: germline. Affected: yes.
Comment: This variant affects the canonical splice donor site of intron 2 and is therefore predicted to interfere with splicing and result in loss of normal protein function through either protein truncation or nonsense-mediated mRNA decay. Loss-of-function variation in WARS2 is an established mechanism of disease (PMID: 28650581, 37824696). Multiple splice prediction tools suggest this variant is likely to interfere with normal splicing. This variant has not been previously reported or functionally characterized in the literature to our knowledge. The c.348+1G>T variant is absent from the gnomAD v4 population database and thus is presumed to be rare. Based on the available evidence, the c.348+1G>T variant is classified as Pathogenic.

NM_015836.4(WARS2):c.348+1G>T

Gene: WARS2 (tryptophanyl tRNA synthetase 2, mitochondrial; minus strand). Cytogenetic location: 1p12.
Variant type: single nucleotide variant.
Coding change: c.348+1G>T on transcript NM_015836.4 (MANE Select); the canonical splice donor site of the intron after coding-DNA position 348, G replaced by T.
Molecular consequence: splice donor variant. On other transcripts: intron variant (2).
Genome position (GRCh38, 1-based): chr1:119,076,349, C>A on the plus strand (G>T on the coding strand, the complement: WARS2 is on the minus strand). VCF-style: chr1-119076349-C-A. GRCh37 (hg19) VCF-style: chr1-119618972-C-A.
Other names: c.348+1G>T (NM_201263.2, NM_001378231.1); c.91-30687G>T (NM_001378229.1); c.177+172G>T (NM_001378228.1); c.279+1G>T (NM_001378226.1, NM_001378227.1); c.66+1G>T (NM_001378230.1).
Identifiers: ClinVar variation 3773821 (VCV003773821.1).
Genomic context (GRCh38, chr1:119,076,349, plus strand): 5'-CATTTTTTCCTCAAATAATCTACACATAAGAGTTTTCTCAGTTCTAATCTGAGAAGCTGA[C>A]CTGAGATTGTTGGAAAAGGATGCTTTTTTCCGGGTTTATGCCACAGGCAAGAAGAACAGC-3'